The following is an entry in ClinVar:

NC_000005.10:g.112707358C>T

Gene: APC (APC regulator of Wnt signaling pathway; plus strand). Cytogenetic location: 5q22.2.
Variant type: single nucleotide variant.
Genome position: GRCh38 VCF-style: chr5-112707358-C-T. GRCh37 (hg19) VCF-style: chr5-112043055-C-T.
Identifiers: ClinVar variation 537687 (VCV000537687.10), dbSNP rs1554060110, ClinGen allele CA658796586.

ClinVar aggregate classification (germline): Uncertain significance (1 of 4 stars; one submission).

Conditions:
Familial adenomatous polyposis 1 (FAP1). Also called: FAMILIAL ADENOMATOUS POLYPOSIS 1, ATTENUATED; POLYPOSIS, ADENOMATOUS INTESTINAL. Identifiers: MedGen C2713442, MONDO:0021056, OMIM 175100. Disease mechanism: loss of function.

Allele frequency attached by ClinVar (database versions not stated): TOPMed below 0.00001; gnomAD exomes 0.00001.

Submission:

Labcorp Genetics (formerly Invitae), Labcorp
Classification: Uncertain significance for Familial adenomatous polyposis 1. Last evaluated: 2026-01-11. Review status: criteria provided, single submitter. Criteria: Invitae Variant Classification Sherloc (09022015). Collection method: clinical testing. Allele origin: germline.
Comment: This variant occurs in a non-coding region of the APC gene. It does not change the encoded amino acid sequence of the APC protein. This variant is not present in population databases (gnomAD no frequency). This variant has not been reported in the literature in individuals affected with APC-related conditions. ClinVar contains an entry for this variant (Variation ID: 537687). Experimental studies and prediction algorithms are not available or were not evaluated, and the functional significance of this variant is currently unknown. In summary, the available evidence is currently insufficient to determine the role of this variant in disease. Therefore, it has been classified as a Variant of Uncertain Significance.